The following is an entry in ClinVar:

NM_003900.5(SQSTM1):c.53G>A (p.Arg18His)

Gene: SQSTM1 (sequestosome 1; plus strand). Cytogenetic location: 5q35.3.
Variant type: single nucleotide variant.
Coding change: c.53G>A on transcript NM_003900.5 (MANE Select); coding-DNA position 53, G replaced by A.
Protein change: p.Arg18His; replaces arginine 18 with histidine.
Molecular consequence: missense variant. On other transcripts: intron variant (2).
Genome position (GRCh38, 1-based): chr5:179,820,989, G>A. VCF-style: chr5-179820989-G-A. GRCh37 (hg19) VCF-style: chr5-179247989-G-A.
Other names: c.-47-1969G>A (NM_001142298.2, NM_001142299.2); short protein forms R18H.
Identifiers: ClinVar variation 849801 (VCV000849801.9), dbSNP rs902195752, ClinGen allele CA133094894.
Genomic context (GRCh38, chr5:179,820,989, plus strand): 5'-CGCTCGCTATGGCGTCGCTCACCGTGAAGGCCTACCTTCTGGGCAAGGAGGACGCGGCGC[G>A]CGAGATTCGCCGCTTCAGCTTCTGCTGCAGCCCCGAGCCTGAGGCGGAAGCCGAGGCTGC-3'
Protein context (NP_003891.1, residues 8-28): AYLLGKEDAA[Arg18His]EIRRFSFCCS

ClinVar aggregate classification (germline): Uncertain significance (1 of 4 stars; one submission).

Conditions:
Frontotemporal dementia and/or amyotrophic lateral sclerosis 1 (FTDALS1). Also called: Frontotemporal dementia with motor neuron disease 1; C9orf72 Frontotemporal Dementia and/or Amyotrophic Lateral Sclerosis. Identifiers: Orphanet 275872, MedGen C5779877, MONDO:0007105, OMIM 105550.
Paget disease of bone 2, early-onset (PDB2). Also called: Paget disease of bone 2. Identifiers: MedGen C4085251, MONDO:0011183, OMIM 602080.

Allele frequency attached by ClinVar (database versions not stated): gnomAD exomes below 0.00001; gnomAD 0.00001 and 0.00006; TOPMed 0.00007.
gnomAD v4.1: 10 of 1,574,464 alleles (0.00064%); highest among the groups gnomAD compares: Non-Finnish European, 0.00017%; no homozygotes.

Submission:

Labcorp Genetics (formerly Invitae), Labcorp
Classification: Uncertain significance for Paget disease of bone 2, early-onset; Frontotemporal dementia and/or amyotrophic lateral sclerosis 1. Last evaluated: 2023-03-03. Review status: criteria provided, single submitter. Criteria: Invitae Variant Classification Sherloc (09022015). Collection method: clinical testing. Allele origin: germline.
Comment: Advanced modeling of protein sequence and biophysical properties (such as structural, functional, and spatial information, amino acid conservation, physicochemical variation, residue mobility, and thermodynamic stability) performed at Invitae indicates that this missense variant is expected to disrupt SQSTM1 protein function. ClinVar contains an entry for this variant (Variation ID: 849801). This variant has not been reported in the literature in individuals affected with SQSTM1-related conditions. This variant is not present in population databases (gnomAD no frequency). This sequence change replaces arginine, which is basic and polar, with histidine, which is basic and polar, at codon 18 of the SQSTM1 protein (p.Arg18His). In summary, the available evidence is currently insufficient to determine the role of this variant in disease. Therefore, it has been classified as a Variant of Uncertain Significance.